The following is an entry in ClinVar:

ClinVar aggregate classification (germline): Pathogenic (1 of 4 stars; one submission).

Conditions:
Hereditary breast ovarian cancer syndrome. Also called: BRCA1- and BRCA2-Associated Hereditary Breast and Ovarian Cancer; Hereditary breast and ovarian cancer; Hereditary breast and/or ovarian cancer syndrome; Hereditary breast and ovarian cancer syndrome; Hereditary breast and ovarian cancer syndrome (HBOC); Breast and ovarian cancer. Identifiers: Orphanet 145, MedGen C0677776, MeSH D061325, MONDO:0003582. Disease mechanism: loss of function.

Submission:

Labcorp Genetics (formerly Invitae), Labcorp
Classification: Pathogenic for Hereditary breast ovarian cancer syndrome. Last evaluated: 2020-11-01. Review status: criteria provided, single submitter. Criteria: Invitae Variant Classification Sherloc (09022015). Collection method: clinical testing. Allele origin: germline.
Comment: For these reasons, this variant has been classified as Pathogenic. This variant has not been reported in the literature in individuals with BRCA1-related conditions. This variant is not present in population databases (ExAC no frequency). This sequence change creates a premature translational stop signal (p.Arg979Leufs*21) in the BRCA1 gene. It is expected to result in an absent or disrupted protein product. Loss-of-function variants in BRCA1 are known to be pathogenic (PMID: 20104584).

Literature cited by the submitters: PubMed 20104584.

NM_007294.4(BRCA1):c.2936del (p.Arg979fs)

Gene: BRCA1 (BRCA1 DNA repair associated; minus strand). Cytogenetic location: 17q21.31.
Variant type: Deletion.
Coding change: c.2936del on transcript NM_007294.4 (MANE Select); coding-DNA position 2936, one base deleted (G; older notation c.2936delG).
Protein change: p.Arg979fs; shifts the reading frame from arginine 979.
Molecular consequence: frameshift variant. On other transcripts: intron variant (137).
Genome position (GRCh38, 1-based): chr17:43,092,595, C deleted on the plus strand (G on the coding strand, the reverse complement: BRCA1 is on the minus strand). VCF-style (leftmost placement, unchanged base first): chr17-43092594-AC-A. GRCh37 (hg19) VCF-style: chr17-41244611-AC-A.
Other names: c.665-1563del (NM_001408439.1, NM_001408425.1, NM_001408441.1 and 12 more transcripts); c.671-1563del (NM_001408419.1, NM_001408422.1, NM_001408418.1 and 2 more transcripts); c.788-1563del (NM_001408403.1, NM_001407983.1, NM_001407975.1 and 17 more transcripts); c.791-1572del (NM_001408406.1); c.647-1563del (NM_001408456.1, NM_001408458.1, NM_001408469.1 and 11 more transcripts); c.644-1563del (NM_001408465.1, NM_001408462.1, NM_001408463.1 and 3 more transcripts); c.710-1563del (NM_001408414.1, NM_001408411.1, NM_001408412.1 and 2 more transcripts); c.578-1563del (NM_001408514.1, NM_001408485.1, NM_001408484.1 and 9 more transcripts); and 41 more; short protein forms R932fs, R979fs, R811fs, R852fs, R890fs, R911fs, R851fs, R867fs.
Identifiers: ClinVar variation 1362105 (VCV001362105.7), dbSNP rs2154351661, ClinGen allele CA2573154093.